The following is an entry in ClinVar:

NM_033109.5(PNPT1):c.976+164G>C

Gene: PNPT1 (polyribonucleotide nucleotidyltransferase 1; minus strand). Cytogenetic location: 2p16.1.
Variant type: single nucleotide variant.
Coding change: c.976+164G>C on transcript NM_033109.5 (MANE Select); 164 bases into the intron after coding-DNA position 976, G replaced by C.
Molecular consequence: intron variant.
Genome position (GRCh38, 1-based): chr2:55,671,155, C>G on the plus strand (G>C on the coding strand, the complement: PNPT1 is on the minus strand). VCF-style: chr2-55671155-C-G. GRCh37 (hg19) VCF-style: chr2-55898290-C-G.
Identifiers: ClinVar variation 684383 (VCV000684383.2), dbSNP rs782632, ClinGen allele CA11115934.

ClinVar aggregate classification (germline): Benign. Review status: criteria provided, multiple submitters, no conflicts (2 of 4 stars). 2 submissions from 2 submitters: Benign (2). Last evaluated 2018-06-14.

Allele frequency attached by ClinVar (database versions not stated): 1000 Genomes Project 0.32568; 1000 Genomes Project 30x 0.32933; TOPMed 0.43308; gnomAD 0.44483 and 0.45229.

Submissions (2):

GeneDx
Classification: Benign. Last evaluated: 2018-06-14. Review status: criteria provided, single submitter. Criteria: GeneDx Variant Classification (06012015). Collection method: clinical testing. Allele origin: germline. Affected: yes.
Comment: This variant is considered likely benign or benign based on one or more of the following criteria: it is a conservative change, it occurs at a poorly conserved position in the protein, it is predicted to be benign by multiple in silico algorithms, and/or has population frequency not consistent with disease.

Breakthrough Genomics
Classification: Benign. Review status: criteria provided, single submitter. Criteria: ACMG Guidelines, 2015. Collection method: not provided. Allele origin: germline. Inheritance: Autosomal recessive inheritance. Affected: yes.